The following is an entry in ClinVar:

NM_001079668.3(NKX2-1):c.572G>T (p.Arg191Leu)

Genes: NKX2-1 (NK2 homeobox 1; minus strand), SFTA3 (surfactant associated 3; minus strand). Cytogenetic location: 14q13.3.
Variant type: single nucleotide variant.
Coding change: c.572G>T on transcript NM_001079668.3 (MANE Select); coding-DNA position 572, G replaced by T.
Protein change: p.Arg191Leu; replaces arginine 191 with leucine.
Molecular consequence: missense variant.
Genome position (GRCh38, 1-based): chr14:36,517,912, C>A on the plus strand (G>T on the coding strand, the complement: NKX2-1 is on the minus strand). VCF-style: chr14-36517912-C-A. GRCh37 (hg19) VCF-style: chr14-36987117-C-A.
Other names: c.482G>T, p.Arg161Leu (NM_003317.4); short protein forms R191L, R161L.
Identifiers: ClinVar variation 3576568 (VCV003576568.3).

ClinVar aggregate classification (germline): Pathogenic/Likely pathogenic. Review status: criteria provided, multiple submitters, no conflicts (2 of 4 stars). 2 submissions from 2 submitters: Pathogenic (1); Likely pathogenic (1). Last evaluated 2024-08-15.

Conditions:
Thyroid cancer, nonmedullary, 1. Identifiers: MedGen C4721429, MONDO:0008567, OMIM 188550.
Brain-lung-thyroid syndrome. Also called: Choreoathetosis, congenital hypothyroidism, and neonatal respiratory distress; Choreoathetosis, Congenital Hypothyroidism, and Neonatal Respiratory Distress Syndrome (Brain-Lung-Thyroid Syndrome); CHOREOATHETOSIS AND CONGENITAL HYPOTHYROIDISM WITH PULMONARY DYSFUNCTION. Identifiers: Orphanet 209905, MedGen C1970269, MONDO:0012593, OMIM 610978.
Benign hereditary chorea (BHC). Also called: HEREDITARY PROGRESSIVE CHOREA WITHOUT DEMENTIA; Benign Hereditary Chorea (BHC). Identifiers: Orphanet 1429, MedGen C0393584, MONDO:0021011, OMIM 118700.

gnomAD v4.1: 2 of 1,608,866 alleles (0.00012%); highest among the groups gnomAD compares: African/African-American, 0.0013%; no homozygotes.

Submissions (2):

Labcorp Genetics (formerly Invitae), Labcorp
Classification: Pathogenic. Last evaluated: 2024-08-15. Review status: criteria provided, single submitter. Criteria: Invitae Variant Classification Sherloc (09022015). Collection method: clinical testing. Allele origin: germline.
Comment: This sequence change replaces arginine, which is basic and polar, with leucine, which is neutral and non-polar, at codon 191 of the NKX2-1 protein (p.Arg191Leu). This variant is not present in population databases (gnomAD no frequency). This missense change has been observed in individual(s) with familial neuroendocrine cell hyperplasia of infancy (PMID: 23787483). It has also been observed to segregate with disease in related individuals. An algorithm developed to predict the effect of missense changes on protein structure and function (PolyPhen-2) suggests that this variant is likely to be disruptive. For these reasons, this variant has been classified as Pathogenic.

Fulgent Genetics
Classification: Likely pathogenic for Benign hereditary chorea; Thyroid cancer, nonmedullary, 1; Brain-lung-thyroid syndrome. Last evaluated: 2024-03-28. Review status: criteria provided, single submitter. Criteria: ACMG Guidelines, 2015. Collection method: clinical testing. Allele origin: germline.

Literature cited by the submitters: PubMed 23787483 (cited by Labcorp Genetics (formerly Invitae), Labcorp).